The following is an entry in ClinVar:

NM_170606.3(KMT2C):c.10468C>A (p.Gln3490Lys)

Gene: KMT2C (lysine methyltransferase 2C; minus strand). Cytogenetic location: 7q36.1.
Variant type: single nucleotide variant.
Coding change: c.10468C>A on transcript NM_170606.3 (MANE Select); coding-DNA position 10468, C replaced by A.
Protein change: p.Gln3490Lys; replaces glutamine 3490 with lysine.
Molecular consequence: missense variant.
Genome position (GRCh38, 1-based): chr7:152,163,109, G>T on the plus strand (C>A on the coding strand, the complement: KMT2C is on the minus strand). VCF-style: chr7-152163109-G-T. GRCh37 (hg19) VCF-style: chr7-151860194-G-T.
Other names: short protein forms Q3490K.
Identifiers: ClinVar variation 3010694 (VCV003010694.3), dbSNP rs149140684, ClinGen allele CA370103638.

ClinVar aggregate classification (germline): Uncertain significance (1 of 4 stars; one submission).

Allele frequency attached by ClinVar (database versions not stated): gnomAD exomes below 0.00001.
gnomAD v4.1: 2 of 1,614,038 alleles (0.00012%); highest among the groups gnomAD compares: Non-Finnish European, 0.00017%; no homozygotes.

Submission:

Labcorp Genetics (formerly Invitae), Labcorp
Classification: Uncertain significance. Last evaluated: 2023-08-03. Review status: criteria provided, single submitter. Criteria: Invitae Variant Classification Sherloc (09022015). Collection method: clinical testing. Allele origin: germline.
Comment: This variant has not been reported in the literature in individuals affected with KMT2C-related conditions. This variant is present in population databases (no rsID available, gnomAD 0.007%). This sequence change replaces glutamine, which is neutral and polar, with lysine, which is basic and polar, at codon 3490 of the KMT2C protein (p.Gln3490Lys). In summary, the available evidence is currently insufficient to determine the role of this variant in disease. Therefore, it has been classified as a Variant of Uncertain Significance. Advanced modeling of protein sequence and biophysical properties (such as structural, functional, and spatial information, amino acid conservation, physicochemical variation, residue mobility, and thermodynamic stability) has been performed at Invitae for this missense variant, however the output from this modeling did not meet the statistical confidence thresholds required to predict the impact of this variant on KMT2C protein function.